The following is an entry in ClinVar:

ClinVar aggregate classification (germline): Likely benign (1 of 4 stars; one submission).

Conditions:
PPP1R12A-related disorder. Also called: PPP1R12A-related condition.

gnomAD v4.1: 8 of 1,613,788 alleles (0.0005%); highest among the groups gnomAD compares: Non-Finnish European, 0.00068%; no homozygotes.

Submission:

PreventionGenetics, part of Exact Sciences
Classification: Likely benign for PPP1R12A-related condition. Last evaluated: 2026-01-12. Review status: criteria provided, single submitter. Criteria: ACMG Guidelines, 2015. Collection method: clinical testing. Allele origin: germline.
Comment: This variant is classified as likely benign based on ACMG/AMP sequence variant interpretation guidelines (Richards et al. 2015 PMID: 25741868, with internal and published modifications).

NM_002480.3(PPP1R12A):c.1941C>A (p.Thr647=)

Gene: PPP1R12A (protein phosphatase 1 regulatory subunit 12A; minus strand). Cytogenetic location: 12q21.2.
Variant type: single nucleotide variant.
Coding change: c.1941C>A on transcript NM_002480.3 (MANE Select); coding-DNA position 1941, C replaced by A.
Protein change: p.Thr647=; no amino-acid change (threonine 647 retained).
Molecular consequence: synonymous variant.
Genome position (GRCh38, 1-based): chr12:79,805,651, G>T on the plus strand (C>A on the coding strand, the complement: PPP1R12A is on the minus strand). VCF-style: chr12-79805651-G-T. GRCh37 (hg19) VCF-style: chr12-80199431-G-T.
Other names: c.1941C>A, p.Thr647= (NM_001143885.2, NM_001244990.2); c.1680C>A, p.Thr560= (NM_001143886.2); c.1773C>A, p.Thr591= (NM_001244992.1).
Identifiers: ClinVar variation 4986391 (VCV004986391.1).